The following is an entry in ClinVar:

ClinVar aggregate classification (germline): Uncertain significance (1 of 4 stars; one submission).

Submission:

GeneDx
Classification: Uncertain significance. Last evaluated: 2019-11-07. Review status: criteria provided, single submitter. Criteria: GeneDx Variant Classification Process June 2021. Collection method: clinical testing. Allele origin: germline. Affected: yes.
Comment: Not observed in large population cohorts (Lek et al., 2016); In silico analysis, which includes protein predictors and evolutionary conservation, supports a deleterious effect; Has not been previously published as pathogenic or benign to our knowledge

NM_001080477.4(TENM3):c.3160A>C (p.Asn1054His)

Gene: TENM3 (teneurin transmembrane protein 3; plus strand). Cytogenetic location: 4q35.1.
Variant type: single nucleotide variant.
Coding change: c.3160A>C on transcript NM_001080477.4 (MANE Select); coding-DNA position 3160, A replaced by C.
Protein change: p.Asn1054His; replaces asparagine 1054 with histidine.
Molecular consequence: missense variant.
Genome position (GRCh38, 1-based): chr4:182,737,000, A>C. VCF-style: chr4-182737000-A-C. GRCh37 (hg19) VCF-style: chr4-183658153-A-C.
Other names: short protein forms N1054H.
Identifiers: ClinVar variation 1310258 (VCV001310258.2), dbSNP rs749852809, ClinGen allele CA358836856.